The following is an entry in ClinVar:

NM_198576.4(AGRN):c.3866C>T (p.Pro1289Leu)

Gene: AGRN (agrin; plus strand). Cytogenetic location: 1p36.33.
Variant type: single nucleotide variant.
Coding change: c.3866C>T on transcript NM_198576.4 (MANE Select); coding-DNA position 3866, C replaced by T.
Protein change: p.Pro1289Leu; replaces proline 1289 with leucine.
Molecular consequence: missense variant.
Genome position (GRCh38, 1-based): chr1:1,048,126, C>T. VCF-style: chr1-1048126-C-T. GRCh37 (hg19) VCF-style: chr1-983506-C-T.
Other names: c.3866C>T, p.Pro1289Leu (NM_001305275.2); c.3551C>T, p.Pro1184Leu (NM_001364727.2); c.3866C>T (LRG_198t1); short protein forms P1289L, P1184L.
Identifiers: ClinVar variation 128304 (VCV000128304.49), dbSNP rs139294803, ClinGen allele CA151645.

ClinVar aggregate classification (germline): Benign/Likely benign. Review status: criteria provided, multiple submitters, no conflicts (2 of 4 stars). 12 submissions from 12 submitters: Benign (6); Likely benign (2). 4 of the submissions do not count toward it. Last evaluated 2026-02-01.

Conditions:
Congenital myasthenic syndrome 8. Also called: MYASTHENIC SYNDROME, CONGENITAL, DUE TO AGRIN DEFICIENCY; Myasthenic syndrome, congenital, 8, with pre- and postsynaptic defects. Identifiers: Orphanet 590, MedGen C3808739, MONDO:0014052, OMIM 615120.

Allele frequency attached by ClinVar (database versions not stated): gnomAD exomes 0.00496 and 0.00601; gnomAD 0.00628 and 0.00637; ESP Exome Variant Server 0.00672; TOPMed 0.00696; 1000 Genomes Project 0.00859; 1000 Genomes Project 30x 0.00906; ExAC 0.00971.
gnomAD v4.1: 9,412 of 1,570,118 alleles (0.6%); highest among the groups gnomAD compares: African/African-American, 0.92%; 34 homozygotes.

Submissions (12):

Labcorp Genetics (formerly Invitae), Labcorp
Classification: Benign for Congenital myasthenic syndrome 8. Last evaluated: 2026-02-01. Review status: criteria provided, single submitter. Criteria: Invitae Variant Classification Sherloc (09022015). Collection method: clinical testing. Allele origin: germline.

CeGaT Center for Human Genetics Tuebingen
Classification: Likely benign. Last evaluated: 2025-09-01. Review status: criteria provided, single submitter. Criteria: CeGaT Center For Human Genetics Tuebingen Variant Classification Criteria Version 2. Collection method: clinical testing. Allele origin: germline. Affected: yes. Observed: 8 variant alleles.
Comment: AGRN: BP4, BS2

Blueprint Genetics
Classification: Likely benign. Last evaluated: 2024-11-25. Review status: criteria provided, single submitter. Criteria: ACMG Guidelines, 2015. Collection method: clinical testing. Allele origin: germline.

Mayo Clinic Laboratories, Mayo Clinic
Classification: Benign. Last evaluated: 2024-03-05. Review status: criteria provided, single submitter. Criteria: ACMG Guidelines, 2015. Collection method: clinical testing. Allele origin: germline. Observed: 7 variant alleles.
Comment: BS1, BS2, BP4

GeneDx
Classification: Benign. Last evaluated: 2019-04-04. Review status: criteria provided, single submitter. Criteria: GeneDx Variant Classification Process June 2021. Collection method: clinical testing. Allele origin: germline. Affected: yes.

Athena Diagnostics
Classification: Benign. Last evaluated: 2018-10-25. Review status: criteria provided, single submitter. Criteria: Athena Diagnostics Criteria. Collection method: clinical testing. Allele origin: germline.

Breakthrough Genomics
Classification: Benign. Review status: criteria provided, single submitter. Criteria: ACMG Guidelines, 2015. Collection method: not provided. Allele origin: germline. Inheritance: Autosomal recessive inheritance. Affected: yes.

PreventionGenetics, part of Exact Sciences
Classification: Benign. Review status: criteria provided, single submitter. Criteria: ACMG Guidelines, 2015. Collection method: clinical testing. Allele origin: germline.

Clinical Genetics DNA and cytogenetics Diagnostics Lab, Erasmus MC, Erasmus Medical Center
Classification: Likely benign. Review status: no assertion criteria provided. Collection method: clinical testing. Allele origin: germline. Affected: yes. Study: VKGL Data-share Consensus. Not counted in ClinVar's aggregate classification.

Genetic Services Laboratory, University of Chicago
Classification: Likely benign for AllHighlyPenetrant. Review status: no assertion criteria provided. Collection method: clinical testing. Allele origin: germline. Inheritance: Autosomal recessive inheritance. Not counted in ClinVar's aggregate classification.
Comment: Likely benign based on allele frequency in 1000 Genomes Project or ESP global frequency and its presence in a patient with a rare or unrelated disease phenotype. NOT Sanger confirmed.

Joint Genome Diagnostic Labs from Nijmegen and Maastricht, Radboudumc and MUMC+
Classification: Likely benign. Review status: no assertion criteria provided. Collection method: clinical testing. Allele origin: germline. Affected: yes. Study: VKGL Data-share Consensus. Not counted in ClinVar's aggregate classification.

Laboratory of Diagnostic Genome Analysis, Leiden University Medical Center (LUMC)
Classification: Likely benign. Review status: no assertion criteria provided. Collection method: clinical testing. Allele origin: germline. Affected: yes. Study: VKGL Data-share Consensus. Not counted in ClinVar's aggregate classification.